The following is an entry in ClinVar:

NM_004484.4(GPC3):c.840G>A (p.Val280=)

Gene: GPC3 (glypican 3; minus strand). Cytogenetic location: Xq26.2.
Variant type: single nucleotide variant.
Coding change: c.840G>A on transcript NM_004484.4 (MANE Select); coding-DNA position 840, G replaced by A.
Protein change: p.Val280=; no amino-acid change (valine 280 retained).
Molecular consequence: synonymous variant.
Genome position (GRCh38, 1-based): chrX:133,753,674, C>T on the plus strand (G>A on the coding strand, the complement: GPC3 is on the minus strand). VCF-style: chrX-133753674-C-T. GRCh37 (hg19) VCF-style: chrX-132887701-C-T.
Other names: c.840G>A, p.Val280= (NM_001164617.2); c.792G>A, p.Val264= (NM_001164618.2); c.678G>A, p.Val226= (NM_001164619.2).
Identifiers: ClinVar variation 1413832 (VCV001413832.11), dbSNP rs2071692419, ClinGen allele CA518852594.

ClinVar aggregate classification (germline): Likely benign. Review status: criteria provided, multiple submitters, no conflicts (2 of 4 stars). 2 submissions from 2 submitters: Likely benign (2). Last evaluated 2025-12-01.

Conditions:
Wilms tumor 1 (WT1). Also called: Wilms tumor, somatic. Identifiers: Orphanet 654, MedGen CN033288, MONDO:0008679, OMIM 194070.

Allele frequency attached by ClinVar (database versions not stated): gnomAD exomes below 0.00001.
gnomAD v4.1: 1 of 1,211,200 alleles (0.000083%); highest among the groups gnomAD compares: Non-Finnish European, 0.00011%; no homozygotes.

Submissions (2):

CeGaT Center for Human Genetics Tuebingen
Classification: Likely benign. Last evaluated: 2025-12-01. Review status: criteria provided, single submitter. Criteria: CeGaT Center For Human Genetics Tuebingen Variant Classification Criteria Version 2. Collection method: clinical testing. Allele origin: germline. Affected: yes. Observed: 1 variant allele.
Comment: GPC3: PM2:Supporting, BP4, BP7

Labcorp Genetics (formerly Invitae), Labcorp
Classification: Likely benign for Wilms tumor 1. Last evaluated: 2024-02-19. Review status: criteria provided, single submitter. Criteria: Invitae Variant Classification Sherloc (09022015). Collection method: clinical testing. Allele origin: germline.